The following is an entry in ClinVar:

ClinVar aggregate classification (germline): Uncertain significance. Review status: criteria provided, multiple submitters, no conflicts (2 of 4 stars). 3 submissions from 3 submitters: Uncertain significance (3). Last evaluated 2023-11-07.

Conditions:
Inborn genetic diseases. Identifiers: MedGen C0950123, MeSH D030342.
Mucopolysaccharidosis, MPS-II (MPS2). Also called: Attenuated MPS (subtype; formerly known as mild MPS II); Severe MPS II; I2S deficiency; MPS 2; Hunter Syndrome; IDURONATE 2-SULFATASE DEFICIENCY. Identifiers: Orphanet 580, Orphanet 79388, MedGen C0026705, MONDO:0010674, OMIM 309900.

Allele frequency attached by ClinVar (database versions not stated): TOPMed below 0.00001; gnomAD 0.00001.
gnomAD v4.1: 1 of 1,208,690 alleles (0.000083%); highest among the groups gnomAD compares: African/African-American, 0.0018%; no homozygotes.

Submissions (3):

Women's Health and Genetics/Laboratory Corporation of America, LabCorp
Classification: Uncertain significance. Last evaluated: 2023-11-07. Review status: criteria provided, single submitter. Criteria: LabCorp Variant Classification Summary - May 2015. Collection method: clinical testing. Allele origin: germline.
Comment: Variant summary: IDS c.1388A>G (p.Tyr463Cys) results in a non-conservative amino acid change in the encoded protein sequence. Five of five in-silico tools predict a damaging effect of the variant on protein function. The variant was absent in 183221 control chromosomes. The available data on variant occurrences in the general population are insufficient to allow any conclusion about variant significance. To our knowledge, no occurrence of c.1388A>G in individuals affected with Mucopolysaccharidosis Type II (Hunter Syndrome) and no experimental evidence demonstrating its impact on protein function have been reported. No submitters have cited clinical-significance assessments for this variant to ClinVar after 2014. Based on the evidence outlined above, the variant was classified as uncertain significance.

Labcorp Genetics (formerly Invitae), Labcorp
Classification: Uncertain significance for Mucopolysaccharidosis, MPS-II. Last evaluated: 2023-03-19. Review status: criteria provided, single submitter. Criteria: Invitae Variant Classification Sherloc (09022015). Collection method: clinical testing. Allele origin: germline.
Comment: In summary, the available evidence is currently insufficient to determine the role of this variant in disease. Therefore, it has been classified as a Variant of Uncertain Significance. This sequence change replaces tyrosine, which is neutral and polar, with cysteine, which is neutral and slightly polar, at codon 463 of the IDS protein (p.Tyr463Cys). This variant is not present in population databases (gnomAD no frequency). This variant has not been reported in the literature in individuals affected with IDS-related conditions. ClinVar contains an entry for this variant (Variation ID: 1771447). Advanced modeling of protein sequence and biophysical properties (such as structural, functional, and spatial information, amino acid conservation, physicochemical variation, residue mobility, and thermodynamic stability) has been performed at Invitae for this missense variant, however the output from this modeling did not meet the statistical confidence thresholds required to predict the impact of this variant on IDS protein function.

Ambry Genetics
Classification: Uncertain significance for Inborn genetic diseases. Last evaluated: 2014-06-27. Review status: criteria provided, single submitter. Criteria: Ambry Variant Classification Scheme 2023. Collection method: clinical testing. Allele origin: germline.
Comment: The p.Y463C variant (also known as c.1388A>G), located in coding exon 9 of the IDS gene, results from an A to G substitution at nucleotide position 1388. The tyrosine at codon 463 is replaced by cysteine, an amino acid with highly dissimilar properties. This variant was not reported in population based cohorts in the following databases: Database of Single Nucleotide Polymorphisms (dbSNP), NHLBI Exome Sequencing Project (ESP), and 1000 Genomes Project. In the ESP, this variant was not observed in 6503 samples with coverage at this position. This amino acid position is not conserved in available vertebrate species. In addition, this alteration is predicted to be deleterious by in silico analysis. Since supporting evidence is limited at this time, the clinical significance of this variant remains unclear.

NM_000202.8(IDS):c.1388A>G (p.Tyr463Cys)

Gene: IDS (iduronate 2-sulfatase; minus strand). Cytogenetic location: Xq28.
Variant type: single nucleotide variant.
Coding change: c.1388A>G on transcript NM_000202.8 (MANE Select); coding-DNA position 1388, A replaced by G.
Protein change: p.Tyr463Cys; replaces tyrosine 463 with cysteine.
Molecular consequence: missense variant.
Genome position (GRCh38, 1-based): chrX:149,483,011, T>C on the plus strand (A>G on the coding strand, the complement: IDS is on the minus strand). VCF-style: chrX-149483011-T-C. GRCh37 (hg19) VCF-style: chrX-148564542-T-C.
Other names: c.1118A>G, p.Tyr373Cys (NM_001166550.4); short protein forms Y463C, Y373C.
Identifiers: ClinVar variation 1771447 (VCV001771447.6), dbSNP rs1233392388, ClinGen allele CA414518200.